The following is an entry in ClinVar:

ClinVar aggregate classification (germline): Uncertain significance (1 of 4 stars; one submission).

Conditions:
Neurodevelopmental disorder with hypotonia, brain anomalies, distinctive facies, and absent language. Also called: ReNU SYNDROME; RNU4-2-Related Neurodevelopmental Disorder; RNU4-2–Related Autosomal Dominant Neurodevelopmental Disorder. Identifiers: Orphanet 686488, MedGen C5935628, MONDO:0971172, OMIM 620851.

gnomAD v4.1: 1 of 152,108 alleles (0.00066%); highest among the groups gnomAD compares: South Asian, 0.021%; no homozygotes.

Submission:

Centre for Population Genomics, CPG
Classification: Uncertain significance for RNU4-2-Related Neurodevelopmental Disorder. Last evaluated: 2026-02-11. Review status: criteria provided, single submitter. Criteria: Ellingford et al. (Genome Med. 2022). Collection method: research. Allele origin: germline. Inheritance: Autosomal recessive inheritance. Affected: yes. Observed: 3 variant alleles, 3 compound heterozygotes.
Comment: PM2_supp

NR_003137.3(RNU4-2):n.50G>C

Genes: RNU4-2 (RNA, U4 small nuclear 2; minus strand), SIRT4 (sirtuin 4; plus strand). Cytogenetic location: 12q24.23.
Variant type: single nucleotide variant.
Molecular consequence: non-coding transcript variant (on NR_003137.3).
Genome position: GRCh38 VCF-style: chr12-120291854-C-G. GRCh37 (hg19) VCF-style: chr12-120729657-C-G.
Identifiers: ClinVar variation 4795821 (VCV004795821.1).